The following is an entry in ClinVar:

ClinVar aggregate classification (germline): Uncertain significance (1 of 4 stars; one submission).

Submission:

Labcorp Genetics (formerly Invitae), Labcorp
Classification: Uncertain significance. Last evaluated: 2025-04-11. Review status: criteria provided, single submitter. Criteria: Invitae Variant Classification Sherloc (09022015). Collection method: clinical testing. Allele origin: germline.
Comment: This sequence change replaces glutamine, which is neutral and polar, with lysine, which is basic and polar, at codon 134 of the ACOX2 protein (p.Gln134Lys). This variant is present in population databases (rs770436987, gnomAD 0.0009%). This variant has not been reported in the literature in individuals affected with ACOX2-related conditions. Invitae Evidence Modeling of protein sequence and biophysical properties (such as structural, functional, and spatial information, amino acid conservation, physicochemical variation, residue mobility, and thermodynamic stability) indicates that this missense variant is expected to disrupt ACOX2 protein function with a positive predictive value of 80%. In summary, the available evidence is currently insufficient to determine the role of this variant in disease. Therefore, it has been classified as a Variant of Uncertain Significance.

NM_003500.4(ACOX2):c.400C>A (p.Gln134Lys)

Gene: ACOX2 (acyl-CoA oxidase 2; minus strand). Cytogenetic location: 3p14.3.
Variant type: single nucleotide variant.
Coding change: c.400C>A on transcript NM_003500.4 (MANE Select); coding-DNA position 400, C replaced by A.
Protein change: p.Gln134Lys; replaces glutamine 134 with lysine.
Molecular consequence: missense variant.
Genome position (GRCh38, 1-based): chr3:58,534,069, G>T on the plus strand (C>A on the coding strand, the complement: ACOX2 is on the minus strand). VCF-style: chr3-58534069-G-T. GRCh37 (hg19) VCF-style: chr3-58519796-G-T.
Other names: short protein forms Q134K.
Identifiers: ClinVar variation 4692602 (VCV004692602.1).